The following is an entry in ClinVar:

NM_001365276.2(TNXB):c.7750C>T (p.Arg2584Cys)

Gene: TNXB (tenascin XB; minus strand). Cytogenetic location: 6p21.33.
Variant type: single nucleotide variant.
Coding change: c.7750C>T on transcript NM_001365276.2 (MANE Select); coding-DNA position 7750, C replaced by T.
Protein change: p.Arg2584Cys; replaces arginine 2584 with cysteine.
Molecular consequence: missense variant.
Genome position (GRCh38, 1-based): chr6:32,058,133, G>A on the plus strand (C>T on the coding strand, the complement: TNXB is on the minus strand). VCF-style: chr6-32058133-G-A. GRCh37 (hg19) VCF-style: chr6-32025910-G-A.
Other names: p.Arg2584Cys; c.7750C>T, p.Arg2584Cys (NM_019105.8); short protein forms R2584C.
Identifiers: ClinVar variation 1254703 (VCV001254703.53), dbSNP rs201690494, ClinGen allele CA3734071.

ClinVar aggregate classification (germline): Conflicting classifications of pathogenicity. Review status: criteria provided, conflicting classifications (1 of 4 stars). 12 submissions from 12 submitters: Uncertain significance (8); Likely benign (4). Last evaluated 2026-02-04.

Conditions:
Ehlers-Danlos syndrome due to tenascin-X deficiency (EDSCLL1). Also called: EDS DUE TO TNX DEFICIENCY; EHLERS-DANLOS SYNDROME, CLASSIC-LIKE; Ehlers-Danlos syndrome, classic-like, 1; TNXB-Related Classical-Like Ehlers-Danlos Syndrome; TNX DEFICIENCY. Identifiers: Orphanet 230839, MedGen C1848029, MONDO:0011670, OMIM 606408.
Vesicoureteral reflux 8 (VUR8). Identifiers: Orphanet 289365, MedGen C4014831, MONDO:0014422, OMIM 615963.
TNXB-related disorder. Also called: TNXB-related condition.
Cardiovascular phenotype. Identifiers: MedGen CN230736.
Ehlers-Danlos syndrome (EDS). Identifiers: Orphanet 98249, MedGen C0013720, MONDO:0020066.

Allele frequency attached by ClinVar (database versions not stated): 1000 Genomes Project 30x 0.00031; 1000 Genomes Project 0.00040; ExAC 0.00064; ESP Exome Variant Server 0.00064; gnomAD exomes 0.00068 and 0.00081; gnomAD 0.00092 and 0.00096; TOPMed 0.00117.
gnomAD v4.1: 1,322 of 1,612,668 alleles (0.082%); highest among the groups gnomAD compares: Admixed American, 0.095%; 1 homozygote.

Submissions (12):

Labcorp Genetics (formerly Invitae), Labcorp
Classification: Likely benign. Last evaluated: 2026-02-04. Review status: criteria provided, single submitter. Criteria: Invitae Variant Classification Sherloc (09022015). Collection method: clinical testing. Allele origin: germline.

Women's Health and Genetics/Laboratory Corporation of America, LabCorp
Classification: Uncertain significance. Last evaluated: 2025-12-24. Review status: criteria provided, single submitter. Criteria: LabCorp Variant Classification Summary - May 2015. Collection method: clinical testing. Allele origin: germline.
Comment: Variant summary: TNXB c.7750C>T (p.Arg2584Cys) results in a non-conservative amino acid change located in the Fibronectin type-III domain of the encoded protein sequence. Algorithms developed to predict the effect of missense changes on protein structure and function are either unavailable or do not agree on the potential impact of this missense change. The variant allele was found at a frequency of 0.00082 in 1612668 control chromosomes in the gnomAD database, including 1 homozygote. This frequency is not significantly higher than estimated for disease-causing variants in TNXB, allowing no conclusion about variant significance. To our knowledge, no occurrence of c.7750C>T in individuals affected with TNXB-related conditions and no experimental evidence demonstrating its impact on protein function have been reported. ClinVar contains an entry for this variant (Variation ID: 1254703). Based on the evidence outlined above, the variant was classified as uncertain significance.

Mayo Clinic Laboratories, Mayo Clinic
Classification: Likely benign. Last evaluated: 2025-12-05. Review status: criteria provided, single submitter. Criteria: ACMG Guidelines, 2015. Collection method: clinical testing. Allele origin: germline. Observed: 6 variant alleles.
Comment: BS1, BP4

PreventionGenetics, part of Exact Sciences
Classification: Likely benign for TNXB-related condition. Last evaluated: 2025-03-19. Review status: criteria provided, single submitter. Criteria: ACMG Guidelines, 2015. Collection method: clinical testing. Allele origin: germline.
Comment: This variant is classified as likely benign based on ACMG/AMP sequence variant interpretation guidelines (Richards et al. 2015 PMID: 25741868, with internal and published modifications).

CeGaT Center for Human Genetics Tuebingen
Classification: Likely benign. Last evaluated: 2025-03-01. Review status: criteria provided, single submitter. Criteria: CeGaT Center For Human Genetics Tuebingen Variant Classification Criteria Version 2. Collection method: clinical testing. Allele origin: germline. Affected: yes. Observed: 2 variant alleles.
Comment: TNXB: BP4

Blueprint Genetics
Classification: Uncertain significance. Last evaluated: 2024-10-11. Review status: criteria provided, single submitter. Criteria: ACMG Guidelines, 2015. Collection method: clinical testing. Allele origin: germline.

GeneDx
Classification: Uncertain significance. Last evaluated: 2024-07-12. Review status: criteria provided, single submitter. Criteria: GeneDx Variant Classification Process June 2021. Collection method: clinical testing. Allele origin: germline. Affected: yes.
Comment: Has not been previously published as pathogenic or benign to our knowledge; In silico analysis supports that this missense variant has a deleterious effect on protein structure/function

Ambry Genetics
Classification: Uncertain significance for Cardiovascular phenotype. Last evaluated: 2024-03-08. Review status: criteria provided, single submitter. Criteria: Ambry Variant Classification Scheme 2023. Collection method: clinical testing. Allele origin: germline.
Comment: The p.R2584C variant (also known as c.7750C>T), located in coding exon 21 of the TNXB gene, results from a C to T substitution at nucleotide position 7750. The arginine at codon 2584 is replaced by cysteine, an amino acid with highly dissimilar properties. This amino acid position is poorly conserved in available vertebrate species. In addition, this alteration is predicted to be tolerated by in silico analysis. Since supporting evidence is limited at this time, the clinical significance of this alteration remains unclear.

Genome Diagnostics Laboratory, The Hospital for Sick Children
Classification: Uncertain significance for Ehlers-Danlos syndrome. Last evaluated: 2022-07-17. Review status: criteria provided, single submitter. Criteria: ACMG Guidelines, 2015. Collection method: clinical testing. Allele origin: germline.

Clinical Genetics Laboratory, Skane University Hospital Lund
Classification: Uncertain significance. Last evaluated: 2022-05-27. Review status: criteria provided, single submitter. Criteria: ACMG Guidelines, 2015. Collection method: clinical testing. Allele origin: germline. Affected: yes.

Breakthrough Genomics
Classification: Uncertain significance. Review status: criteria provided, single submitter. Criteria: ACMG Guidelines, 2015. Collection method: not provided. Allele origin: germline. Inheritance: Autosomal recessive inheritance. Affected: yes.

Center for Genomics, Ann and Robert H. Lurie Children's Hospital of Chicago
Classification: Uncertain significance for Ehlers-Danlos syndrome due to tenascin-X deficiency; Vesicoureteral reflux 8. Review status: criteria provided, single submitter. Criteria: ACMG Guidelines, 2015. Collection method: clinical testing. Allele origin: germline.
Comment: This variant has not been reported in the literature but is present in 0.2% (30/15282) of Latino alleles in the Genome Aggregation Database. This variant is present in ClinVar (Variation ID: 1254703). Evoluationary conservation and computational predictive tools suggest that this variant may not impact the protein. In summary, data on this variant is insufficient for disease classification. Therefore, the clinical significance of this variant is uncertain.